The following is an entry in ClinVar:

ClinVar aggregate classification (germline): Uncertain significance (1 of 4 stars; one submission).

Conditions:
Hereditary cancer-predisposing syndrome. Also called: Hereditary Cancer Syndrome; Hereditary neoplastic syndrome; Tumor predisposition; Neoplastic Syndromes, Hereditary. Identifiers: Orphanet 140162, MedGen C0027672, MeSH D009386, MONDO:0015356.

Submission:

Ambry Genetics
Classification: Uncertain significance for Hereditary cancer-predisposing syndrome. Last evaluated: 2020-03-05. Review status: criteria provided, single submitter. Criteria: Ambry Variant Classification Scheme 2023. Collection method: clinical testing. Allele origin: germline.
Comment: The p.S81F variant (also known as c.242C>T), located in coding exon 2 of the SUFU gene, results from a C to T substitution at nucleotide position 242. The serine at codon 81 is replaced by phenylalanine, an amino acid with highly dissimilar properties. This amino acid position is poorly conserved in available vertebrate species. In addition, this alteration is predicted to be tolerated by in silico analysis. Since supporting evidence is limited at this time, the clinical significance of this alteration remains unclear.

NM_016169.4(SUFU):c.242C>T (p.Ser81Phe)

Gene: SUFU (SUFU negative regulator of hedgehog signaling; plus strand). Cytogenetic location: 10q24.32.
Variant type: single nucleotide variant.
Coding change: c.242C>T on transcript NM_016169.4 (MANE Select); coding-DNA position 242, C replaced by T.
Protein change: p.Ser81Phe; replaces serine 81 with phenylalanine.
Molecular consequence: missense variant.
Genome position (GRCh38, 1-based): chr10:102,509,228, C>T. VCF-style: chr10-102509228-C-T. GRCh37 (hg19) VCF-style: chr10-104268985-C-T.
Other names: c.242C>T, p.Ser81Phe (NM_001178133.2); short protein forms S81F.
Identifiers: ClinVar variation 1791147 (VCV001791147.2), dbSNP rs2062368817, ClinGen allele CA377888646.
Genomic context (GRCh38, chr10:102,509,228, plus strand): 5'-GGTTGGGTGGCCCAGACCCCTTGGACTATGTTAGCATGTACAGGAATGTGGGGAGCCCTT[C>T]TGCTAACATCCCCGAGCACTGGCACTACATCAGCTTCGGCCTGAGTGATCTCTATGGTGA-3'
Protein context (NP_057253.2, residues 71-91): VSMYRNVGSP[Ser81Phe]ANIPEHWHYI